The following is an entry in ClinVar:

NM_000057.4(BLM):c.673_675del (p.Lys225del)

Gene: BLM (BLM RecQ like helicase; plus strand). Cytogenetic location: 15q26.1.
Variant type: Deletion.
Coding change: c.673_675del on transcript NM_000057.4 (MANE Select); coding-DNA positions 673 to 675, 3 bases deleted (AAG; older notation c.673_675delAAG).
Protein change: p.Lys225del; deletes lysine 225.
Molecular consequence: inframe deletion. On other transcripts: 5 prime UTR variant (1).
Genome position (GRCh38, 1-based): chr15:90,749,941-90,749,943, AAG deleted; deleting any 3 consecutive bases within chr15:90,749,939-90,749,943 gives the same sequence; the c. name uses the placement nearest the transcript's 3' end. VCF-style (leftmost placement, unchanged base first): chr15-90749938-CAGA-C. GRCh37 (hg19) VCF-style: chr15-91293168-CAGA-C.
Other names: c.673_675del, p.Lys225del (NM_001287246.2, NM_001287247.2); c.-619_-617del (NM_001287248.2); short protein forms K225del.
Identifiers: ClinVar variation 2562338 (VCV002562338.4), dbSNP rs767175929, ClinGen allele CA7738326.

ClinVar aggregate classification (germline): Uncertain significance. Review status: criteria provided, multiple submitters, no conflicts (2 of 4 stars). 2 submissions from 2 submitters: Uncertain significance (2). Last evaluated 2024-07-16.

Conditions:
Hereditary cancer-predisposing syndrome. Also called: Neoplastic Syndromes, Hereditary; Hereditary Cancer Syndrome; Hereditary neoplastic syndrome; Tumor predisposition. Identifiers: Orphanet 140162, MedGen C0027672, MeSH D009386, MONDO:0015356.
Bloom syndrome (BLM). Also called: Bloom-Torre-Machacek syndrome. Identifiers: Orphanet 125, MedGen C0005859, MONDO:0008876, OMIM 210900.

Submissions (2):

Labcorp Genetics (formerly Invitae), Labcorp
Classification: Uncertain significance for Bloom syndrome. Last evaluated: 2024-07-16. Review status: criteria provided, single submitter. Criteria: Invitae Variant Classification Sherloc (09022015). Collection method: clinical testing. Allele origin: germline.
Comment: This variant, c.673_675del, results in the deletion of 1 amino acid(s) of the BLM protein (p.Lys225del), but otherwise preserves the integrity of the reading frame. This variant is present in population databases (rs767175929, gnomAD 0.0009%). This variant has not been reported in the literature in individuals affected with BLM-related conditions. ClinVar contains an entry for this variant (Variation ID: 2562338). Experimental studies and prediction algorithms are not available or were not evaluated, and the functional significance of this variant is currently unknown. In summary, the available evidence is currently insufficient to determine the role of this variant in disease. Therefore, it has been classified as a Variant of Uncertain Significance.

Ambry Genetics
Classification: Uncertain significance for Hereditary cancer-predisposing syndrome. Last evaluated: 2023-05-23. Review status: criteria provided, single submitter. Criteria: Ambry Variant Classification Scheme 2023. Collection method: clinical testing. Allele origin: germline.
Comment: The c.673_675delAAG variant (also known as p.K225del) is located in coding exon 2 of the BLM gene. This variant results from an in-frame AAG deletion at nucleotide positions 673 to 675. This results in the in-frame deletion of a lysine at codon 225. This amino acid position is not well conserved in available vertebrate species. In addition, the in silico prediction for this alteration is inconclusive (Choi Y et al. PLoS ONE. 2012; 7(10):e46688). Since supporting evidence is limited at this time, the clinical significance of this alteration remains unclear.